The following is an entry in ClinVar:

NM_153676.4(USH1C):c.496+32_496+33dup

Gene: USH1C (USH1 protein network component harmonin; minus strand). Cytogenetic location: 11p15.1.
Variant type: Duplication.
Coding change: c.496+32_496+33dup on transcript NM_153676.4 (MANE Select); bases 32 to 33 of the intron after coding-DNA position 496, 2 bases duplicated (TG; older notation c.496+32_496+33dupTG).
Molecular consequence: intron variant.
Genome position (GRCh38, 1-based): chr11:17,527,190-17,527,191, CA duplicated on the plus strand (TG on the coding strand, the reverse complement: USH1C is on the minus strand). VCF-style (leftmost placement, unchanged base first): chr11-17527189-T-TCA. GRCh37 (hg19) VCF-style: chr11-17548737-T-CAC.
Other names: c.496+32_496+33dup (NM_001297764.2, NM_005709.4).
Identifiers: ClinVar variation 3052592 (VCV003052592.1), dbSNP rs1339684667, ClinGen allele CA674239610.
Genomic context (GRCh38, chr11:17,527,189, plus strand): 5'-CCCTCCCTCCCACCGTCATGGAGTACTGCCCTGCTCCCCCGCCCTCCCTCCCTCCCACCG[T>TCA]CATGGAGTACTGCCCTGCTCTGGCCTCACTCACGTCTCACTTTGATGGACACAGTTTTCT-3'

ClinVar aggregate classification (germline): Likely benign (1 of 4 stars; one submission).

Conditions:
USH1C-related disorder. Also called: USH1C-related condition.

Submission:

PreventionGenetics, part of Exact Sciences
Classification: Likely benign for USH1C-related condition. Last evaluated: 2024-02-20. Review status: criteria provided, single submitter. Criteria: ACMG Guidelines, 2015. Collection method: clinical testing. Allele origin: germline.
Comment: This variant is classified as likely benign based on ACMG/AMP sequence variant interpretation guidelines (Richards et al. 2015 PMID: 25741868, with internal and published modifications).